The following is an entry in ClinVar:

ClinVar aggregate classification (germline): Likely benign. Review status: criteria provided, multiple submitters, no conflicts (2 of 4 stars). 2 submissions from 2 submitters: Likely benign (2). Last evaluated 2024-04-01.

Allele frequency attached by ClinVar (database versions not stated): gnomAD exomes below 0.00001.

Submissions (2):

CeGaT Center for Human Genetics Tuebingen
Classification: Likely benign. Last evaluated: 2024-04-01. Review status: criteria provided, single submitter. Criteria: CeGaT Center For Human Genetics Tuebingen Variant Classification Criteria Version 2. Collection method: clinical testing. Allele origin: germline. Affected: yes. Observed: 1 variant allele.
Comment: TERF2IP: PM2:Supporting, BP4, BP7

Ambry Genetics
Classification: Likely benign. Last evaluated: 2021-03-31. Review status: criteria provided, single submitter. Criteria: Ambry Variant Classification Scheme 2023. Collection method: clinical testing. Allele origin: germline.

NM_018975.4(TERF2IP):c.90C>T (p.Ser30=)

Gene: TERF2IP (TERF2 interacting protein; plus strand). Cytogenetic location: 16q23.1.
Variant type: single nucleotide variant.
Coding change: c.90C>T on transcript NM_018975.4 (MANE Select); coding-DNA position 90, C replaced by T.
Protein change: p.Ser30=; no amino-acid change (serine 30 retained).
Molecular consequence: synonymous variant. On other transcripts: non-coding transcript variant (1).
Genome position (GRCh38, 1-based): chr16:75,647,972, C>T. VCF-style: chr16-75647972-C-T. GRCh37 (hg19) VCF-style: chr16-75681870-C-T.
Identifiers: ClinVar variation 1765792 (VCV001765792.22), dbSNP rs2507072414, ClinGen allele CA496695927.